The following is an entry in ClinVar:

ClinVar aggregate classification (germline): Uncertain significance (1 of 4 stars; one submission).

Submission:

Ambry Genetics
Classification: Uncertain significance. Last evaluated: 2022-01-27. Review status: criteria provided, single submitter. Criteria: Ambry Variant Classification Scheme 2023. Collection method: clinical testing. Allele origin: germline.
Comment: The p.S346R variant (also known as c.1038T>G), located in coding exon 12 of the NPAT gene, results from a T to G substitution at nucleotide position 1038. The serine at codon 346 is replaced by arginine, an amino acid with dissimilar properties. This amino acid position is conserved. In addition, this alteration is predicted to be tolerated by in silico analysis. Since supporting evidence is limited at this time, the clinical significance of this alteration remains unclear.

NM_002519.3(NPAT):c.1038T>G (p.Ser346Arg)

Gene: NPAT (nuclear protein, coactivator of histone transcription; minus strand). Cytogenetic location: 11q22.3.
Variant type: single nucleotide variant.
Coding change: c.1038T>G on transcript NM_002519.3 (MANE Select); coding-DNA position 1038, T replaced by G.
Protein change: p.Ser346Arg; replaces serine 346 with arginine.
Molecular consequence: missense variant.
Genome position (GRCh38, 1-based): chr11:108,176,340, A>C on the plus strand (T>G on the coding strand, the complement: NPAT is on the minus strand). VCF-style: chr11-108176340-A-C. GRCh37 (hg19) VCF-style: chr11-108047067-A-C.
Other names: c.1038T>G, p.Ser346Arg (NM_001321307.1); short protein forms S346R.
Identifiers: ClinVar variation 1773325 (VCV001773325.2), dbSNP rs2496725840, ClinGen allele CA382516961.